The following is an entry in ClinVar:

NM_001371986.1(UNC80):c.1283G>T (p.Arg428Ile)

Gene: UNC80 (unc-80 subunit of NALCN channel complex; plus strand). Cytogenetic location: 2q34.
Variant type: single nucleotide variant.
Coding change: c.1283G>T on transcript NM_001371986.1 (MANE Select); coding-DNA position 1283, G replaced by T.
Protein change: p.Arg428Ile; replaces arginine 428 with isoleucine.
Molecular consequence: missense variant.
Genome position (GRCh38, 1-based): chr2:209,815,339, G>T. VCF-style: chr2-209815339-G-T. GRCh37 (hg19) VCF-style: chr2-210680063-G-T.
Other names: c.1283G>T, p.Arg428Ile (NM_032504.2, NM_182587.4); short protein forms R428I.
Identifiers: ClinVar variation 5020281 (VCV005020281.1).

ClinVar aggregate classification (germline): Uncertain significance (1 of 4 stars; one submission).

gnomAD v4.1: 4 of 1,551,562 alleles (0.00026%); highest among the groups gnomAD compares: Admixed American, 0.002%; no homozygotes.

Submission:

Dasa
Classification: Uncertain significance. Last evaluated: 2026-06-30. Review status: criteria provided, single submitter. Criteria: DASA Assertion Criteria. Collection method: clinical testing. Allele origin: germline.
Comment: NM_001371986.1(UNC80):c.1283G>T (p.Arg428Ile) is a missense variant that results in the substitution of arginine with isoleucine. This variant is rare in population databases. The currently available literature and clinical evidence are not sufficient to establish a definitive association between this variant and the reported condition. Therefore, this variant is classified as a variant of uncertain significance.